The following is an entry in ClinVar:

NM_006885.4(ZFHX3):c.10539TGGCGGCGGCGGCGGCGG[1] (p.Gly3522_Gly3527del)

Genes: ZFHX3 (zinc finger homeobox 3; minus strand), ZFHX3-AS1 (ZFHX3 antisense RNA 1; plus strand). Cytogenetic location: 16q22.2.
Variant type: Microsatellite.
Coding change: c.10539TGGCGGCGGCGGCGGCGG[1] on transcript NM_006885.4 (MANE Select); one copy of the 18-base unit TGGCGGCGGCGGCGGCGG starting at c.10539; the reference has two copies in a row; one copy, 18 bases deleted.
Protein change: p.Gly3522_Gly3527del.
Molecular consequence: inframe deletion.
Genome position (GRCh38, 1-based): chr16:72,787,702-72,787,719, CCGCCGCCGCCGCCGCCA deleted on the plus strand (TGGCGGCGGCGGCGGCGG on the coding strand, the reverse complement: ZFHX3 is on the minus strand); deleting any 18 consecutive bases within chr16:72,787,702-72,787,738 gives the same sequence; the position shown is the placement nearest the transcript's 3' end. VCF-style (leftmost placement, unchanged base first): chr16-72787701-GCCGCCGCCGCCGCCGCCA-G. GRCh37 (hg19) VCF-style: chr16-72821600-GCCGCCGCCGCCGCCGCCA-G.
Other names: c.10557_10574del18 (NM_006885.3); c.7797TGGCGGCGGCGGCGGCGG[1], p.Gly2608_Gly2613del (NM_001164766.2); c.10539TGGCGGCGGCGGCGGCGG[1], p.Gly3522_Gly3527del (NM_001386735.1).
Identifiers: ClinVar variation 714560 (VCV000714560.28), dbSNP rs778016374, ClinGen allele CA8162382.

ClinVar aggregate classification (germline): Benign. Review status: criteria provided, multiple submitters, no conflicts (2 of 4 stars). 3 submissions from 3 submitters: Benign (2). 1 of the submissions does not count toward it. Last evaluated 2026-04-01.

Conditions:
ZFHX3-related disorder. Also called: ZFHX3-related condition.

Submissions (3):

CeGaT Center for Human Genetics Tuebingen
Classification: Benign. Last evaluated: 2026-04-01. Review status: criteria provided, single submitter. Criteria: CeGaT Center For Human Genetics Tuebingen Variant Classification Criteria Version 2. Collection method: clinical testing. Allele origin: germline. Affected: yes. Observed: 4 variant alleles.
Comment: ZFHX3: BS1, BS2

Labcorp Genetics (formerly Invitae), Labcorp
Classification: Benign. Last evaluated: 2017-11-14. Review status: criteria provided, single submitter. Criteria: Invitae Variant Classification Sherloc (09022015). Collection method: clinical testing. Allele origin: germline.

PreventionGenetics, part of Exact Sciences
Classification: Likely benign for ZFHX3-related condition. Last evaluated: 2020-02-21. Review status: no assertion criteria provided. Collection method: clinical testing. Allele origin: germline. Not counted in ClinVar's aggregate classification.
Comment: This variant is classified as likely benign based on ACMG/AMP sequence variant interpretation guidelines (Richards et al. 2015 PMID: 25741868, with internal and published modifications).